The following is an entry in ClinVar:

ClinVar aggregate classification (germline): Uncertain significance (1 of 4 stars; one submission).

Conditions:
Cutis laxa, autosomal dominant 3 (ADCL3). Identifiers: Orphanet 90348, MedGen C4225268, MONDO:0014706, OMIM 616603.
Autosomal dominant spastic paraplegia type 9. Identifiers: MedGen C1832669, MONDO:0015091.
de Barsy syndrome. Also called: Cutis laxa-corneal clouding-oligophrenia syndrome. Identifiers: Orphanet 2962, MedGen C0268354, MONDO:0017569.

Submission:

Labcorp Genetics (formerly Invitae), Labcorp
Classification: Uncertain significance for Autosomal dominant spastic paraplegia type 9; de Barsy syndrome; Cutis laxa, autosomal dominant 3. Last evaluated: 2023-12-09. Review status: criteria provided, single submitter. Criteria: Invitae Variant Classification Sherloc (09022015). Collection method: clinical testing. Allele origin: germline.
Comment: This sequence change replaces glutamic acid, which is acidic and polar, with alanine, which is neutral and non-polar, at codon 100 of the ALDH18A1 protein (p.Glu100Ala). This variant is not present in population databases (gnomAD no frequency). This variant has not been reported in the literature in individuals affected with ALDH18A1-related conditions. Advanced modeling of protein sequence and biophysical properties (such as structural, functional, and spatial information, amino acid conservation, physicochemical variation, residue mobility, and thermodynamic stability) performed at Invitae indicates that this missense variant is expected to disrupt ALDH18A1 protein function with a positive predictive value of 95%. In summary, the available evidence is currently insufficient to determine the role of this variant in disease. Therefore, it has been classified as a Variant of Uncertain Significance.

NM_002860.4(ALDH18A1):c.299A>C (p.Glu100Ala)

Gene: ALDH18A1 (aldehyde dehydrogenase 18 family member A1; minus strand). Cytogenetic location: 10q24.1.
Variant type: single nucleotide variant.
Coding change: c.299A>C on transcript NM_002860.4 (MANE Select); coding-DNA position 299, A replaced by C.
Protein change: p.Glu100Ala; replaces glutamic acid 100 with alanine.
Molecular consequence: missense variant. On other transcripts: intron variant (4).
Genome position (GRCh38, 1-based): chr10:95,642,996, T>G on the plus strand (A>C on the coding strand, the complement: ALDH18A1 is on the minus strand). VCF-style: chr10-95642996-T-G. GRCh37 (hg19) VCF-style: chr10-97402753-T-G.
Other names: c.299A>C, p.Glu100Ala (NM_001017423.2, NM_001323413.2, NM_001323414.2 and 2 more transcripts); c.-78-9347A>C (NM_001323419.2); c.-30-5560A>C (NM_001323412.2, NM_001323418.2, NM_001323416.2); short protein forms E100A.
Identifiers: ClinVar variation 2944321 (VCV002944321.3), dbSNP rs2526935076, ClinGen allele CA377707547.
Genomic context (GRCh38, chr10:95,642,996, plus strand): 5'-ACTAGCGACTTAAAAACCCAATTTTAGTACAGCATAATTTCTATCTTGGCAATCACCTGC[T>G]CAACAATAGATGCCAAGCGCCCCAGGGCCAGGCCACATTCATCCCCTCGGGTCACCACGG-3'
Protein context (NP_002851.2, residues 90-110): LALGRLASIV[Glu100Ala]QVSVLQNQGR